The following is an entry in ClinVar:

ClinVar aggregate classification (germline): Uncertain significance. Review status: criteria provided, single submitter (1 of 4 stars). 2 submissions from 2 submitters: Uncertain significance (1). 1 of the submissions does not count toward it. Last evaluated 2024-11-19.

Conditions:
CTNS-related disorder. Also called: CTNS-related condition.
Nephropathic cystinosis (CTNS). Also called: Abderhalden Lignac Kaufmann disease; Abderhalden-Kaufmann-Lignac syndrome; CYSTINOSIN, DEFECT OF; LYSOSOMAL CYSTINE TRANSPORT PROTEIN, DEFECT OF. Identifiers: Orphanet 213, Orphanet 411629, MedGen C2931187, MONDO:0100151, OMIM 219800.

Submissions (2):

PreventionGenetics, part of Exact Sciences
Classification: Uncertain significance for CTNS-related condition. Last evaluated: 2024-11-19. Review status: criteria provided, single submitter. Criteria: ACMG Guidelines, 2015. Collection method: clinical testing. Allele origin: germline.
Comment: The CTNS c.1024_1035del12 variant is predicted to result in an in-frame deletion (p.Ser342_Phe345del). To our knowledge, this variant has not been reported in the literature. However, other similar in-frame deletions near this location have been reported in individuals with cystinosis (for example, variants described as IVFD343-346del and DVVF346-349del in Attard et al. 1999. PubMed ID: 10556299 and Kalatzis et al. 2004. PubMed ID: 15128704). This variant is reported in 0.0062% of alleles in individuals of African descent in gnomAD. Although we suspect that this variant may be pathogenic, at this time, the clinical significance of this variant is uncertain due to the absence of conclusive functional and genetic evidence.

Counsyl
Classification: Uncertain significance for Nephropathic cystinosis. Last evaluated: 2017-10-27. Review status: no assertion criteria provided. Collection method: clinical testing. Allele origin: unknown. Not counted in ClinVar's aggregate classification.

NM_004937.3(CTNS):c.1024_1035del (p.Ser342_Phe345del)

Gene: CTNS (cystinosin, lysosomal cystine transporter; plus strand). Cytogenetic location: 17p13.2.
Variant type: Deletion.
Coding change: c.1024_1035del on transcript NM_004937.3 (MANE Select); coding-DNA positions 1024 to 1035, 12 bases deleted (TCCATCGTCTTC).
Protein change: p.Ser342_Phe345del.
Molecular consequence: inframe deletion.
Genome position (GRCh38, 1-based): chr17:3,660,289-3,660,300, TCCATCGTCTTC deleted; deleting any 12 consecutive bases within chr17:3,660,283-3,660,300 gives the same sequence; the c. name uses the placement nearest the transcript's 3' end. VCF-style (leftmost placement, unchanged base first): chr17-3660282-GGTCTTCTCCATC-G. GRCh37 (hg19) VCF-style: chr17-3563576-GGTCTTCTCCATC-G.
Other names: c.1024_1035del12 (NM_001031681.2); c.1024_1035del, p.Ser342_Phe345del (NM_001031681.3, NM_001374492.1); c.583_594del, p.Ser195_Phe198del (NM_001374493.1, NM_001374494.1, NM_001374495.1 and 1 more transcripts).
Identifiers: ClinVar variation 554646 (VCV000554646.3), dbSNP rs745806090, ClinGen allele CA8292010.